The following is an entry in ClinVar:

NM_032119.4(ADGRV1):c.16283A>T (p.Glu5428Val)

Gene: ADGRV1 (adhesion G protein-coupled receptor V1; plus strand). Cytogenetic location: 5q14.3.
Variant type: single nucleotide variant.
Coding change: c.16283A>T on transcript NM_032119.4 (MANE Select); coding-DNA position 16283, A replaced by T.
Protein change: p.Glu5428Val; replaces glutamic acid 5428 with valine.
Molecular consequence: missense variant. On other transcripts: non-coding transcript variant (1).
Genome position (GRCh38, 1-based): chr5:90,823,511, A>T. VCF-style: chr5-90823511-A-T. GRCh37 (hg19) VCF-style: chr5-90119328-A-T.
Other names: short protein forms E5428V.
Identifiers: ClinVar variation 1410034 (VCV001410034.8), dbSNP rs1763794242, ClinGen allele CA360425610.

ClinVar aggregate classification (germline): Uncertain significance (1 of 4 stars; one submission).

Allele frequency attached by ClinVar (database versions not stated): TOPMed below 0.00001.

Submission:

Labcorp Genetics (formerly Invitae), Labcorp
Classification: Uncertain significance. Last evaluated: 2021-02-17. Review status: criteria provided, single submitter. Criteria: Invitae Variant Classification Sherloc (09022015). Collection method: clinical testing. Allele origin: germline.
Comment: In summary, the available evidence is currently insufficient to determine the role of this variant in disease. Therefore, it has been classified as a Variant of Uncertain Significance. Algorithms developed to predict the effect of missense changes on protein structure and function (SIFT, PolyPhen-2, Align-GVGD) all suggest that this variant is likely to be tolerated, but these predictions have not been confirmed by published functional studies and their clinical significance is uncertain. This variant has not been reported in the literature in individuals with ADGRV1-related conditions. This variant is not present in population databases (ExAC no frequency). This sequence change replaces glutamic acid with valine at codon 5428 of the ADGRV1 protein (p.Glu5428Val). The glutamic acid residue is weakly conserved and there is a moderate physicochemical difference between glutamic acid and valine.